The following is an entry in ClinVar:

NM_213599.3(ANO5):c.517G>C (p.Val173Leu)

Gene: ANO5 (anoctamin 5; plus strand). Cytogenetic location: 11p14.3.
Variant type: single nucleotide variant.
Coding change: c.517G>C on transcript NM_213599.3 (MANE Select); coding-DNA position 517, G replaced by C.
Protein change: p.Val173Leu; replaces valine 173 with leucine.
Molecular consequence: missense variant.
Genome position (GRCh38, 1-based): chr11:22,227,455, G>C. VCF-style: chr11-22227455-G-C. GRCh37 (hg19) VCF-style: chr11-22249001-G-C.
Other names: c.514G>C, p.Val172Leu (NM_001142649.2); short protein forms V172L, V173L.
Identifiers: ClinVar variation 836043 (VCV000836043.10), dbSNP rs775841716, ClinGen allele CA5922939.

ClinVar aggregate classification (germline): Uncertain significance (1 of 4 stars; one submission).

Conditions:
Autosomal recessive limb-girdle muscular dystrophy type 2L (LGMDR12). Also called: Limb-girdle muscular dystrophy, type 2L; Limb-Girdle Muscular Dystrophy R12 Anoctamin-5-Related (LGMD-R12); MUSCULAR DYSTROPHY, LIMB-GIRDLE, AUTOSOMAL RECESSIVE 12. Identifiers: Orphanet 206549, MedGen C1969785, MONDO:0012652, OMIM 611307.
Gnathodiaphyseal dysplasia (GDD). Also called: OSTEOGENESIS IMPERFECTA WITH UNUSUAL SKELETAL LESIONS; GNATHODIAPHYSEAL SCLEROSIS. Identifiers: Orphanet 53697, MedGen C1833736, MONDO:0008151, OMIM 166260.

Allele frequency attached by ClinVar (database versions not stated): gnomAD exomes below 0.00001 and 0.00001; ExAC 0.00001; gnomAD 0.00001; TOPMed 0.00002.

Submission:

Labcorp Genetics (formerly Invitae), Labcorp
Classification: Uncertain significance for Autosomal recessive limb-girdle muscular dystrophy type 2L; Gnathodiaphyseal dysplasia. Last evaluated: 2024-10-18. Review status: criteria provided, single submitter. Criteria: Invitae Variant Classification Sherloc (09022015). Collection method: clinical testing. Allele origin: germline.
Comment: This sequence change replaces valine, which is neutral and non-polar, with leucine, which is neutral and non-polar, at codon 173 of the ANO5 protein (p.Val173Leu). This variant is present in population databases (rs775841716, gnomAD 0.006%). This variant has not been reported in the literature in individuals affected with ANO5-related conditions. ClinVar contains an entry for this variant (Variation ID: 836043). Invitae Evidence Modeling of protein sequence and biophysical properties (such as structural, functional, and spatial information, amino acid conservation, physicochemical variation, residue mobility, and thermodynamic stability) indicates that this missense variant is not expected to disrupt ANO5 protein function with a negative predictive value of 95%. In summary, the available evidence is currently insufficient to determine the role of this variant in disease. Therefore, it has been classified as a Variant of Uncertain Significance.